The following is an entry in ClinVar:

ClinVar aggregate classification (germline): Pathogenic (1 of 4 stars; one submission).

Conditions:
RYR1-related disorder. Also called: RYR1-related disorders; RYR1-related condition. Identifiers: MedGen CN239331.

Submission:

Labcorp Genetics (formerly Invitae), Labcorp
Classification: Pathogenic for RYR1-related disorder. Last evaluated: 2022-06-13. Review status: criteria provided, single submitter. Criteria: Invitae Variant Classification Sherloc (09022015). Collection method: clinical testing. Allele origin: germline.
Comment: For these reasons, this variant has been classified as Pathogenic. This variant disrupts the p.Arg4558 amino acid residue in RYR1. Other variant(s) that disrupt this residue have been determined to be pathogenic (PMID: 17226826, 18253926, 25747005). This suggests that this residue is clinically significant, and that variants that disrupt this residue are likely to be disease-causing. Advanced modeling of protein sequence and biophysical properties (such as structural, functional, and spatial information, amino acid conservation, physicochemical variation, residue mobility, and thermodynamic stability) performed at Invitae indicates that this missense variant is expected to disrupt RYR1 protein function. ClinVar contains an entry for this variant (Variation ID: 646594). This missense change has been observed in individual(s) with clinical features of autosomal recessive RYR1-related conditions (Invitae). In at least one individual the data is consistent with being in trans (on the opposite chromosome) from a pathogenic variant. This variant is not present in population databases (gnomAD no frequency). This sequence change replaces arginine, which is basic and polar, with glycine, which is neutral and non-polar, at codon 4558 of the RYR1 protein (p.Arg4558Gly).

Literature cited by the submitters: PubMed 17226826; PubMed 18253926; PubMed 25747005.

NM_000540.3(RYR1):c.13672C>G (p.Arg4558Gly)

Gene: RYR1 (ryanodine receptor 1; plus strand). Cytogenetic location: 19q13.2.
Variant type: single nucleotide variant.
Coding change: c.13672C>G on transcript NM_000540.3 (MANE Select); coding-DNA position 13672, C replaced by G.
Protein change: p.Arg4558Gly; replaces arginine 4558 with glycine.
Molecular consequence: missense variant.
Genome position (GRCh38, 1-based): chr19:38,570,619, C>G. VCF-style: chr19-38570619-C-G. GRCh37 (hg19) VCF-style: chr19-39061259-C-G.
Other names: c.13657C>G, p.Arg4553Gly (NM_001042723.2); short protein forms R4553G, R4558G.
Identifiers: ClinVar variation 646594 (VCV000646594.8), dbSNP rs771741606, ClinGen allele CA405678703.